The following is an entry in ClinVar:

ClinVar aggregate classification (germline): Uncertain significance. Review status: criteria provided, single submitter (1 of 4 stars). 2 submissions from 2 submitters: Uncertain significance (1). 1 of the submissions does not count toward it. Last evaluated 2022-10-21.

Conditions:
Intellectual disability. Also called: intellectual disabilities; Intellectual developmental disorder; Intellectual functioning disability. Identifiers: MedGen C3714756, MeSH D008607, MONDO:0001071, HP:0001249.

Submissions (2):

Labcorp Genetics (formerly Invitae), Labcorp
Classification: Uncertain significance. Last evaluated: 2022-10-21. Review status: criteria provided, single submitter. Criteria: Invitae Variant Classification Sherloc (09022015). Collection method: clinical testing. Allele origin: germline.
Comment: This sequence change replaces valine, which is neutral and non-polar, with leucine, which is neutral and non-polar, at codon 574 of the AHDC1 protein (p.Val574Leu). This variant is present in population databases (rs746985425, gnomAD 0.003%). This variant has not been reported in the literature in individuals affected with AHDC1-related conditions. ClinVar contains an entry for this variant (Variation ID: 975326). Algorithms developed to predict the effect of missense changes on protein structure and function are either unavailable or do not agree on the potential impact of this missense change (SIFT: "Deleterious"; PolyPhen-2: "Benign"; Align-GVGD: "Class C0"). In summary, the available evidence is currently insufficient to determine the role of this variant in disease. Therefore, it has been classified as a Variant of Uncertain Significance.

Centre de Biologie Pathologie Génétique, Centre Hospitalier Universitaire de Lille
Classification: Likely benign for Intellectual disability. Last evaluated: 2019-01-01. Review status: no assertion criteria provided. Collection method: clinical testing. Allele origin: inherited. Affected: yes. Not counted in ClinVar's aggregate classification.

NM_001371928.1(AHDC1):c.1720G>T (p.Val574Leu)

Gene: AHDC1 (AT-hook DNA binding motif containing 1; minus strand). Cytogenetic location: 1p36.11.
Variant type: single nucleotide variant.
Coding change: c.1720G>T on transcript NM_001371928.1 (MANE Select); coding-DNA position 1720, G replaced by T.
Protein change: p.Val574Leu; replaces valine 574 with leucine.
Molecular consequence: missense variant.
Genome position (GRCh38, 1-based): chr1:27,550,396, C>A on the plus strand (G>T on the coding strand, the complement: AHDC1 is on the minus strand). VCF-style: chr1-27550396-C-A. GRCh37 (hg19) VCF-style: chr1-27876907-C-A.
Other names: c.1720G>T, p.Val574Leu (NM_001029882.3); short protein forms V574L.
Identifiers: ClinVar variation 975326 (VCV000975326.3), dbSNP rs746985425, ClinGen allele CA715899.
Genomic context (GRCh38, chr1:27,550,396, plus strand): 5'-GCTTCTGCTTCCGCCGCCGTCGTTTTTTTACCTCTGGCATGGCCATGGTGGCCGCTGCCA[C>A]AGTGGCTGCCTCGGCCGCCACCACAGCTGGCTCCTTGGGCTTGCCGGGACCCAGCAGCAG-3'
Protein context (NP_001358857.1, residues 564-584): PAVVAAEAAT[Val574Leu]AAATMAMPEV